The following is an entry in ClinVar:

NM_000458.4(HNF1B):c.46del (p.Leu16fs)

Gene: HNF1B (HNF1 homeobox B; minus strand). Cytogenetic location: 17q12.
Variant type: Deletion.
Coding change: c.46del on transcript NM_000458.4 (MANE Select); coding-DNA position 46, one base deleted (C; older notation c.46delC).
Protein change: p.Leu16fs; shifts the reading frame from leucine 16.
Molecular consequence: frameshift variant.
Genome position (GRCh38, 1-based): chr17:37,744,839, G deleted on the plus strand (C on the coding strand, the reverse complement: HNF1B is on the minus strand); the first of 3 consecutive G bases (chr17:37,744,839-37,744,841); deleting any one gives the same sequence. VCF-style (leftmost placement, unchanged base first): chr17-37744838-AG-A. GRCh37 (hg19) VCF-style: chr17-36104829-AG-A.
Other names: c.46del, p.Leu16fs (NM_001165923.4, NM_001304286.2); short protein forms L16fs.
Identifiers: ClinVar variation 12648 (VCV000012648.3), dbSNP rs587776771, ClinGen allele CA122606.

ClinVar aggregate classification (germline): Pathogenic. Review status: criteria provided, single submitter (1 of 4 stars). 2 submissions from 2 submitters: Pathogenic (1). 1 of the submissions does not count toward it. Last evaluated 2019-07-06.

Conditions:
Chromophobe renal cell carcinoma. Also called: Renal carcinoma, chromophobe, somatic. Identifiers: Orphanet 319303, MedGen C1266042, MONDO:0017885.
Renal cysts and diabetes syndrome (RCAD). Also called: Familial hypoplastic, glomerulocystic kidney; MATURITY-ONSET DIABETES OF THE YOUNG, TYPE 5. Identifiers: Orphanet 93111, MedGen C0431693, MONDO:0007669, OMIM 137920.

Submissions (2):

Institute of Human Genetics, FAU Erlangen, Friedrich-Alexander-Universität Erlangen-Nürnberg
Classification: Pathogenic for Renal cysts and diabetes syndrome. Last evaluated: 2019-07-06. Review status: criteria provided, single submitter. Criteria: ACMG Guidelines, 2015. Collection method: literature only. Allele origin: germline. Affected: yes.
Comment: This variant and it's classification has been reported by Vasileiou et al. 2019; DOI:10.1101/576918. The variants has previously been reported in ClinVar:12648; PMID:25700310; PMID:16371430; PMID:25536396 as "NM_000458.3(HNF1B):c.46delC (p.Leu16Cysfs)" with clinical significance Pathogenic. It has been re-classified using InterVar and manual curation as Pathogenic based on PVS1 PM2 PP3.

OMIM
Classification: Pathogenic for RENAL CELL CARCINOMA, CHROMOPHOBE. Last evaluated: 2005-03-01. Review status: no assertion criteria provided. Collection method: literature only. Allele origin: unknown. Not counted in ClinVar's aggregate classification.

Literature cited by the submitters: PubMed 25700310 (cited by Institute of Human Genetics, FAU Erlangen, Friedrich-Alexander-Universität Erlangen-Nürnberg); PubMed 16371430 (cited by Institute of Human Genetics, FAU Erlangen, Friedrich-Alexander-Universität Erlangen-Nürnberg); PubMed 25536396 (cited by Institute of Human Genetics, FAU Erlangen, Friedrich-Alexander-Universität Erlangen-Nürnberg); DOI 10.1101/576918 (cited by Institute of Human Genetics, FAU Erlangen, Friedrich-Alexander-Universität Erlangen-Nürnberg); PubMed 15649945 (cited by OMIM).